The following is an entry in ClinVar:

ClinVar aggregate classification (germline): Uncertain significance (1 of 4 stars; one submission).

Conditions:
KLHL3-related disorder. Also called: KLHL3-related condition.

Allele frequency attached by ClinVar (database versions not stated): gnomAD 0.00001; TOPMed 0.00001.

Submission:

PreventionGenetics, part of Exact Sciences
Classification: Uncertain significance for KLHL3-related condition. Last evaluated: 2023-09-14. Review status: criteria provided, single submitter. Criteria: ACMG Guidelines, 2015. Collection method: clinical testing. Allele origin: germline.
Comment: The KLHL3 c.1054G>A variant is predicted to result in the amino acid substitution p.Val352Met. To our knowledge, this variant has not been reported in the literature or in a large population database, indicating this variant is rare. At this time, the clinical significance of this variant is uncertain due to the absence of conclusive functional and genetic evidence.

NM_017415.3(KLHL3):c.1054G>A (p.Val352Met)

Gene: KLHL3 (kelch like family member 3; minus strand). Cytogenetic location: 5q31.2.
Variant type: single nucleotide variant.
Coding change: c.1054G>A on transcript NM_017415.3 (MANE Select); coding-DNA position 1054, G replaced by A.
Protein change: p.Val352Met; replaces valine 352 with methionine.
Molecular consequence: missense variant.
Genome position (GRCh38, 1-based): chr5:137,639,118, C>T on the plus strand (G>A on the coding strand, the complement: KLHL3 is on the minus strand). VCF-style: chr5-137639118-C-T. GRCh37 (hg19) VCF-style: chr5-136974807-C-T.
Other names: c.958G>A, p.Val320Met (NM_001257194.1); c.808G>A, p.Val270Met (NM_001257195.2); short protein forms V270M, V320M, V352M.
Identifiers: ClinVar variation 2632045 (VCV002632045.1), dbSNP rs1003471989, ClinGen allele CA128103963.